The following is an entry in ClinVar:

ClinVar aggregate classification (germline): Conflicting classifications of pathogenicity. Review status: criteria provided, conflicting classifications (1 of 4 stars). 3 submissions from 3 submitters: Uncertain significance (2); Likely benign (1). Last evaluated 2025-11-24.

Conditions:
Hypertrophic cardiomyopathy. Also called: HYPERTROPHIC MYOCARDIOPATHY. Identifiers: Orphanet 217569, MedGen C0007194, MeSH D002312, MONDO:0005045, HP:0001639.
Loeys-Dietz syndrome 2 (LDS2). Also called: Marfan syndrome, type 2 (formerly); AORTIC ANEURYSM, FAMILIAL THORACIC 3; MARFAN SYNDROME, TYPE II; TGFBR2-Related Loeys-Dietz Syndrome; Marfan Syndrome type 2; Marfan like connective tissue disorder. Identifiers: Orphanet 284973, Orphanet 558, MedGen C2674574, MONDO:0012427, OMIM 610168.

Allele frequency attached by ClinVar (database versions not stated): gnomAD 0.00001; gnomAD exomes 0.00001; TOPMed 0.00001.
gnomAD v4.1: 7 of 1,614,062 alleles (0.00043%); highest among the groups gnomAD compares: African/African-American, 0.0013%; no homozygotes.

Submissions (3):

Labcorp Genetics (formerly Invitae), Labcorp
Classification: Uncertain significance for Loeys-Dietz syndrome 2. Last evaluated: 2025-11-24. Review status: criteria provided, single submitter. Criteria: Invitae Variant Classification Sherloc (09022015). Collection method: clinical testing. Allele origin: germline.
Comment: This sequence change replaces alanine, which is neutral and non-polar, with threonine, which is neutral and polar, at codon 517 of the TMPO protein (p.Ala517Thr). This variant is present in population databases (no rsID available, gnomAD 0.003%). This variant has not been reported in the literature in individuals affected with TMPO-related conditions. ClinVar contains an entry for this variant (Variation ID: 691729). Invitae Evidence Modeling of protein sequence and biophysical properties (such as structural, functional, and spatial information, amino acid conservation, physicochemical variation, residue mobility, and thermodynamic stability) indicates that this missense variant is not expected to disrupt TMPO protein function with a negative predictive value of 80%. In summary, the available evidence is currently insufficient to determine the role of this variant in disease. Therefore, it has been classified as a Variant of Uncertain Significance.

Ambry Genetics
Classification: Uncertain significance. Last evaluated: 2024-09-20. Review status: criteria provided, single submitter. Criteria: Ambry Variant Classification Scheme 2023. Collection method: clinical testing. Allele origin: germline.
Comment: The p.A517T variant (also known as c.1549G>A), located in coding exon 4 of the TMPO gene, results from a G to A substitution at nucleotide position 1549. The alanine at codon 517 is replaced by threonine, an amino acid with similar properties. This amino acid position is conserved. In addition, this alteration is predicted to be tolerated by in silico analysis. Since supporting evidence is limited at this time, the clinical significance of this alteration remains unclear.

Center for Advanced Laboratory Medicine, UC San Diego Health, University of California San Diego
Classification: Likely benign for Hypertrophic cardiomyopathy. Last evaluated: 2017-12-22. Review status: criteria provided, single submitter. Criteria: ACMG Guidelines, 2015. Collection method: clinical testing. Allele origin: germline. Affected: yes. Observed: 1 variant allele.

NM_001032283.3(TMPO):c.565+1968G>A

Gene: TMPO (thymopoietin; plus strand). Cytogenetic location: 12q23.1.
Variant type: single nucleotide variant.
Coding change: c.565+1968G>A on transcript NM_001032283.3 (MANE Select); 1968 bases into the intron after coding-DNA position 565, G replaced by A.
Molecular consequence: intron variant. On other transcripts: missense variant (1).
Genome position (GRCh38, 1-based): chr12:98,533,806, G>A. VCF-style: chr12-98533806-G-A. GRCh37 (hg19) VCF-style: chr12-98927584-G-A.
Other names: c.1549G>A, p.Ala517Thr (NM_003276.2); c.565+1968G>A (NM_001307975.2, NM_001032284.3); short protein forms A517T.
Identifiers: ClinVar variation 691729 (VCV000691729.9), dbSNP rs1051007448, ClinGen allele CA242225027.
Genomic context (GRCh38, chr12:98,533,806, plus strand): 5'-TCTATTTTAAAAGTAATTGAAGAAGAATGGCAGCAAGTTGACAGGCAGCTGCCTTCACTG[G>A]CATGCAAATATCCAGTTTCTTCCAGGGAGGCAACACAGATATTATCAGTTCCAAAAGTAG-3'